The following is an entry in ClinVar:

ClinVar aggregate classification (germline): Conflicting classifications of pathogenicity. Review status: criteria provided, conflicting classifications (1 of 4 stars). 3 submissions from 3 submitters: Likely pathogenic (2); Uncertain significance (1). Last evaluated 2022-09-06.

Conditions:
Mullegama-Klein-Martinez syndrome. Also called: NEURODEVELOPMENTAL DISORDER, X-LINKED, WITH CRANIOFACIAL ABNORMALITIES. Identifiers: MedGen C5193008, MONDO:0026722, OMIM 301022.

Submissions (3):

GeneDx
Classification: Likely pathogenic. Last evaluated: 2022-09-06. Review status: criteria provided, single submitter. Criteria: GeneDx Variant Classification Process June 2021. Collection method: clinical testing. Allele origin: germline. Affected: yes.
Comment: Not observed at significant frequency in large population cohorts (gnomAD); In silico analysis supports that this missense variant has a deleterious effect on protein structure/function; This variant is associated with the following publications: (PMID: 33619735)

Labcorp Genetics (formerly Invitae), Labcorp
Classification: Uncertain significance. Last evaluated: 2022-07-26. Review status: criteria provided, single submitter. Criteria: Invitae Variant Classification Sherloc (09022015). Collection method: clinical testing. Allele origin: germline.
Comment: Algorithms developed to predict the effect of missense changes on protein structure and function (SIFT, PolyPhen-2, Align-GVGD) all suggest that this variant is likely to be disruptive. In summary, the available evidence is currently insufficient to determine the role of this variant in disease. Therefore, it has been classified as a Variant of Uncertain Significance. This missense change has been observed in individual(s) with STAG2-related conditions (PMID: 33619735). This variant is not present in population databases (gnomAD no frequency). This sequence change replaces arginine, which is basic and polar, with cysteine, which is neutral and slightly polar, at codon 954 of the STAG2 protein (p.Arg954Cys). ClinVar contains an entry for this variant (Variation ID: 807502).

Institute of Human Genetics Munich, TUM University Hospital
Classification: Likely pathogenic for Mullegama-Klein-Martinez syndrome. Last evaluated: 2019-06-07. Review status: criteria provided, single submitter. Criteria: Classification criteria August 2017. Collection method: clinical testing. Allele origin: de novo. Inheritance: X-linked inheritance. Affected: yes. Observed: 1 hemizygote.

Literature cited by the submitters: PubMed 33619735 (cited by Labcorp Genetics (formerly Invitae), Labcorp).

NM_001042750.2(STAG2):c.2860C>T (p.Arg954Cys)

Gene: STAG2 (STAG2 cohesin complex component; plus strand). Cytogenetic location: Xq25.
Variant type: single nucleotide variant.
Coding change: c.2860C>T on transcript NM_001042750.2 (MANE Select); coding-DNA position 2860, C replaced by T.
Protein change: p.Arg954Cys; replaces arginine 954 with cysteine.
Molecular consequence: missense variant.
Genome position (GRCh38, 1-based): chrX:124,081,464, C>T. VCF-style: chrX-124081464-C-T. GRCh37 (hg19) VCF-style: chrX-123215314-C-T.
Other names: c.2860C>T, p.Arg954Cys (NM_001042749.2, NM_001042751.2, NM_001282418.2 and 1 more transcripts); short protein forms R954C.
Identifiers: ClinVar variation 807502 (VCV000807502.11), dbSNP rs1603150613, ClinGen allele CA414280073.